The following is an entry in ClinVar:

NM_001384140.1(PCDH15):c.908C>A (p.Pro303Gln)

Gene: PCDH15 (protocadherin related 15; minus strand). Cytogenetic location: 10q21.1.
Variant type: single nucleotide variant.
Coding change: c.908C>A on transcript NM_001384140.1 (MANE Select); coding-DNA position 908, C replaced by A.
Protein change: p.Pro303Gln; replaces proline 303 with glutamine.
Molecular consequence: missense variant.
Genome position (GRCh38, 1-based): chr10:54,236,900, G>T on the plus strand (C>A on the coding strand, the complement: PCDH15 is on the minus strand). VCF-style: chr10-54236900-G-T. GRCh37 (hg19) VCF-style: chr10-55996660-G-T.
Other names: c.923C>A, p.Pro308Gln (NM_001142763.2, NM_001142769.4, NM_001142771.2); c.908C>A, p.Pro303Gln (NM_001142764.2, NM_001142765.2, NM_001142766.2 and 7 more transcripts); c.797C>A, p.Pro266Gln (NM_001142767.2); c.842C>A, p.Pro281Gln (NM_001142768.2, NM_001142773.2, NM_001354404.2); short protein forms P266Q, P281Q, P303Q, P308Q.
Identifiers: ClinVar variation 1926309 (VCV001926309.5), dbSNP rs2540223212, ClinGen allele CA376528023.
Genomic context (GRCh38, chr10:54,236,900, plus strand): 5'-AGGATTCCTGGCCTATCTGATGGCGGTTGAATATTCCGGTCCTGATCAATGGCTTGGATT[G>T]GTGGCGTAACAATAATGGGGTTCAGTTCTTCCTGAAAAAAAAATTAAGAGAGTTTCATTC-3'
Protein context (NP_001371069.1, residues 293-313): EELNPIIVTP[Pro303Gln]IQAIDQDRNI

ClinVar aggregate classification (germline): Uncertain significance (1 of 4 stars; one submission).

Allele frequency attached by ClinVar (database versions not stated): gnomAD exomes below 0.00001.
gnomAD v4.1: 2 of 1,613,498 alleles (0.00012%); highest among the groups gnomAD compares: African/African-American, 0.0013%; no homozygotes.

Submission:

Labcorp Genetics (formerly Invitae), Labcorp
Classification: Uncertain significance. Last evaluated: 2022-07-16. Review status: criteria provided, single submitter. Criteria: Invitae Variant Classification Sherloc (09022015). Collection method: clinical testing. Allele origin: germline.
Comment: In summary, the available evidence is currently insufficient to determine the role of this variant in disease. Therefore, it has been classified as a Variant of Uncertain Significance. Algorithms developed to predict the effect of missense changes on protein structure and function are either unavailable or do not agree on the potential impact of this missense change (SIFT: "Deleterious"; PolyPhen-2: "Possibly Damaging"; Align-GVGD: "Class C0"). This variant has not been reported in the literature in individuals affected with PCDH15-related conditions. This variant is not present in population databases (gnomAD no frequency). This sequence change replaces proline, which is neutral and non-polar, with glutamine, which is neutral and polar, at codon 303 of the PCDH15 protein (p.Pro303Gln).